The following is an entry in ClinVar:

ClinVar aggregate classification (germline): Likely pathogenic (1 of 4 stars; one submission).

Allele frequency attached by ClinVar (database versions not stated): TOPMed below 0.00001.

Submission:

Labcorp Genetics (formerly Invitae), Labcorp
Classification: Likely pathogenic. Last evaluated: 2022-08-16. Review status: criteria provided, single submitter. Criteria: Invitae Variant Classification Sherloc (09022015). Collection method: clinical testing. Allele origin: germline.
Comment: This sequence change affects a donor splice site in intron 70 of the VPS13A gene. It is expected to disrupt RNA splicing. Variants that disrupt the donor or acceptor splice site typically lead to a loss of protein function (PMID: 16199547), and loss-of-function variants in VPS13A are known to be pathogenic (PMID: 12404112, 21598378). This variant is not present in population databases (gnomAD no frequency). This variant has not been reported in the literature in individuals affected with VPS13A-related conditions. Algorithms developed to predict the effect of sequence changes on RNA splicing suggest that this variant may disrupt the consensus splice site. In summary, the currently available evidence indicates that the variant is pathogenic, but additional data are needed to prove that conclusively. Therefore, this variant has been classified as Likely Pathogenic.

Literature cited by the submitters: PubMed 16199547; PubMed 12404112; PubMed 21598378.

NM_033305.3(VPS13A):c.9399+1G>A

Gene: VPS13A (vacuolar protein sorting 13 homolog A; plus strand). Cytogenetic location: 9q21.2.
Variant type: single nucleotide variant.
Coding change: c.9399+1G>A on transcript NM_033305.3 (MANE Select); the canonical splice donor site of the intron after coding-DNA position 9399, G replaced by A.
Molecular consequence: splice donor variant.
Genome position (GRCh38, 1-based): chr9:77,405,988, G>A. VCF-style: chr9-77405988-G-A. GRCh37 (hg19) VCF-style: chr9-80020904-G-A.
Other names: c.9282+1G>A (NM_001018037.2).
Identifiers: ClinVar variation 1952663 (VCV001952663.5), dbSNP rs1834584602, ClinGen allele CA373854675.